The following is an entry in ClinVar:

ClinVar aggregate classification (germline): Uncertain significance (1 of 4 stars; one submission).

Allele frequency attached by ClinVar (database versions not stated): gnomAD exomes 0.00001.
gnomAD v4.1: 5 of 1,606,080 alleles (0.00031%); highest among the groups gnomAD compares: Admixed American, 0.0034%; no homozygotes.

Submission:

Labcorp Genetics (formerly Invitae), Labcorp
Classification: Uncertain significance. Last evaluated: 2023-09-22. Review status: criteria provided, single submitter. Criteria: Invitae Variant Classification Sherloc (09022015). Collection method: clinical testing. Allele origin: germline.
Comment: The frequency data for this variant in the population databases is considered unreliable, as metrics indicate poor data quality at this position in the gnomAD database. In summary, the available evidence is currently insufficient to determine the role of this variant in disease. Therefore, it has been classified as a Variant of Uncertain Significance. Variants that disrupt the consensus splice site are a relatively common cause of aberrant splicing (PMID: 17576681, 9536098). Algorithms developed to predict the effect of sequence changes on RNA splicing suggest that this variant is not likely to affect RNA splicing. This variant has not been reported in the literature in individuals affected with RINT1-related conditions. This sequence change falls in intron 11 of the RINT1 gene. It does not directly change the encoded amino acid sequence of the RINT1 protein. It affects a nucleotide within the consensus splice site.

Literature cited by the submitters: PubMed 17576681; PubMed 9536098.

NM_021930.6(RINT1):c.1672-3C>T

Gene: RINT1 (RAD50 interactor 1; plus strand). Cytogenetic location: 7q22.3.
Variant type: single nucleotide variant.
Coding change: c.1672-3C>T on transcript NM_021930.6 (MANE Select); 3 bases into the intron before coding-DNA position 1672, C replaced by T.
Molecular consequence: intron variant.
Genome position (GRCh38, 1-based): chr7:105,563,730, C>T. VCF-style: chr7-105563730-C-T. GRCh37 (hg19) VCF-style: chr7-105204177-C-T.
Other names: c.649-3C>T (NM_001346600.2, NM_001346603.2); c.748-3C>T (NM_001346601.2); c.1438-3C>T (NM_001346599.2).
Identifiers: ClinVar variation 2896695 (VCV002896695.3), dbSNP rs1478237165, ClinGen allele CA577197874.